The following is an entry in ClinVar:

NM_021930.6(RINT1):c.568A>C (p.Thr190Pro)

Gene: RINT1 (RAD50 interactor 1; plus strand). Cytogenetic location: 7q22.3.
Variant type: single nucleotide variant.
Coding change: c.568A>C on transcript NM_021930.6 (MANE Select); coding-DNA position 568, A replaced by C.
Protein change: p.Thr190Pro; replaces threonine 190 with proline.
Molecular consequence: missense variant. On other transcripts: 5 prime UTR variant (2), non-coding transcript variant (1), intron variant (1).
Genome position (GRCh38, 1-based): chr7:105,546,962, A>C. VCF-style: chr7-105546962-A-C. GRCh37 (hg19) VCF-style: chr7-105187409-A-C.
Other names: c.334A>C, p.Thr112Pro (NM_001346599.2); c.-452A>C (NM_001346600.2); c.-355A>C (NM_001346601.2); c.-27-3093A>C (NM_001346603.2); short protein forms T112P, T190P.
Identifiers: ClinVar variation 3433563 (VCV003433563.1).

ClinVar aggregate classification (germline): Uncertain significance (1 of 4 stars; one submission).

gnomAD v4.1: 3 of 1,613,618 alleles (0.00019%); highest among the groups gnomAD compares: African/African-American, 0.0027%; no homozygotes.

Submission:

Ambry Genetics
Classification: Uncertain significance. Last evaluated: 2024-11-25. Review status: criteria provided, single submitter. Criteria: Ambry Variant Classification Scheme 2023. Collection method: clinical testing. Allele origin: germline.
Comment: The p.T190P variant (also known as c.568A>C), located in coding exon 5 of the RINT1 gene, results from an A to C substitution at nucleotide position 568. The threonine at codon 190 is replaced by proline, an amino acid with highly similar properties. This amino acid position is conserved. In addition, this alteration is predicted to be tolerated by in silico analysis. Based on the available evidence, the clinical significance of this variant remains unclear.